The following is an entry in ClinVar:

ClinVar aggregate classification (germline): Conflicting classifications of pathogenicity. Review status: criteria provided, conflicting classifications (1 of 4 stars). 16 submissions from 16 submitters: Uncertain significance (12); Likely benign (2). 2 of the submissions do not count toward it. Last evaluated 2025-11-17.

Conditions:
ATM-related disorder. Also called: ATM-related disorders; ATM-related condition.
Hereditary cancer-predisposing syndrome. Also called: Tumor predisposition; Hereditary neoplastic syndrome; Neoplastic Syndromes, Hereditary; Hereditary Cancer Syndrome. Identifiers: Orphanet 140162, MedGen C0027672, MeSH D009386, MONDO:0015356.
Familial cancer of breast. Also called: Hereditary breast cancer; hereditary breast carcinoma; BREAST CANCER, FAMILIAL. Identifiers: Orphanet 227535, MedGen C0346153, MONDO:0016419, OMIM 114480. Disease mechanism: loss of function.
Ataxia-telangiectasia syndrome (AT). Also called: LOUIS-BAR SYNDROME; Ataxia-telangiectasia; Ataxia telangiectasia (A-T); Cerebello-oculocutaneous telangiectasia; Immunodeficiency with ataxia telangiectasia; Ataxia-telangiectasia, complementation group D. Identifiers: Orphanet 100, MedGen C0004135, MONDO:0008840, OMIM 208900.

Allele frequency attached by ClinVar (database versions not stated): gnomAD exomes 0.00001; gnomAD 0.00002; TOPMed 0.00002; ESP Exome Variant Server 0.00008.
gnomAD v4.1: 12 of 1,613,450 alleles (0.00074%); highest among the groups gnomAD compares: Non-Finnish European, 0.001%; no homozygotes.

Submissions (16):

PreventionGenetics, part of Exact Sciences
Classification: Uncertain significance for ATM-related condition. Last evaluated: 2025-11-17. Review status: criteria provided, single submitter. Criteria: ACMG Guidelines, 2015. Collection method: clinical testing. Allele origin: germline.
Comment: The ATM c.5009C>T variant is predicted to result in the amino acid substitution p.Ala1670Val. This variant has been reported in an individual with breast cancer (Table S2, Bernstein et al. 2010. PubMed ID: 20305132) and in two individuals with melanoma (Table S2, Dalmasso et al. 2021. PubMed ID: 34262154). However, this variant has been observed at similar frequencies in both cases and controls in a large breast cancer association study (Breast Cancer Association Consortium et al. 2021. PubMed ID: 33471991). This variant is reported in 0.0023% of alleles in individuals of European (non-Finnish) descent in gnomAD and has conflicting interpretations in ClinVar ranging from uncertain to benign (Variation ID: 127397). At this time, the clinical significance of this variant is uncertain due to the absence of conclusive functional and genetic evidence.

Quest Diagnostics Nichols Institute San Juan Capistrano
Classification: Uncertain significance. Last evaluated: 2025-07-16. Review status: criteria provided, single submitter. Criteria: Quest Diagnostics criteria. Collection method: clinical testing. Allele origin: unknown.

Labcorp Genetics (formerly Invitae), Labcorp
Classification: Uncertain significance for Ataxia-telangiectasia syndrome. Last evaluated: 2025-01-29. Review status: criteria provided, single submitter. Criteria: Invitae Variant Classification Sherloc (09022015). Collection method: clinical testing. Allele origin: germline.
Comment: This sequence change replaces alanine, which is neutral and non-polar, with valine, which is neutral and non-polar, at codon 1670 of the ATM protein (p.Ala1670Val). This variant is present in population databases (rs375131360, gnomAD 0.003%). This missense change has been observed in individual(s) with breast cancer (PMID: 20305132). ClinVar contains an entry for this variant (Variation ID: 127397). Invitae Evidence Modeling of protein sequence and biophysical properties (such as structural, functional, and spatial information, amino acid conservation, physicochemical variation, residue mobility, and thermodynamic stability) has been performed for this missense variant. However, the output from this modeling did not meet the statistical confidence thresholds required to predict the impact of this variant on ATM protein function. RNA analysis performed to evaluate the impact of this missense change on mRNA splicing indicates it does not significantly alter splicing (PMID: 31843900; internal data). In summary, the available evidence is currently insufficient to determine the role of this variant in disease. Therefore, it has been classified as a Variant of Uncertain Significance.

St. Jude Molecular Pathology, St. Jude Children's Research Hospital
Classification: Uncertain significance for Ataxia-telangiectasia syndrome. Last evaluated: 2024-12-08. Review status: criteria provided, single submitter. Criteria: St. Jude Assertion Criteria 2020. Collection method: clinical testing. Allele origin: germline.
Comment: The ATM c.5009C>T (p.Ala1670Val) missense change has a maximum subpopulation frequency of 0.002% in gnomAD v2.1.1. The in silico tool REVEL is inconclusive about a pathogenic or benign effect of this variant on protein function, and to our knowledge functional studies have not been performed. To our knowledge, this variant has not been reported in individuals with ataxia telangiectasia. In summary, the evidence currently available is insufficient to determine the clinical significance of this variant. It has therefore been classified as of uncertain significance.

CeGaT Center for Human Genetics Tuebingen
Classification: Uncertain significance. Last evaluated: 2024-09-01. Review status: criteria provided, single submitter. Criteria: CeGaT Center For Human Genetics Tuebingen Variant Classification Criteria Version 2. Collection method: clinical testing. Allele origin: germline. Affected: yes. Observed: 1 variant allele.

GeneDx
Classification: Uncertain significance. Last evaluated: 2024-06-30. Review status: criteria provided, single submitter. Criteria: GeneDx Variant Classification Process June 2021. Collection method: clinical testing. Allele origin: germline. Affected: yes.
Comment: Not observed at significant frequency in large population cohorts (gnomAD); In silico analysis indicates that this missense variant does not alter protein structure/function; Published functional studies suggest no impact on splicing (PMID: 31843900); Observed in individuals with a personal and/or family history of breast and other cancers, as well as in unaffected controls (PMID: 20305132, 31843900, 27720647, 28652578, 33471991); This variant is associated with the following publications: (PMID: 31422574, 27720647, 28652578, 34173971, 31843900, 20305132, 34262154, 33471991)

Baylor Genetics
Classification: Uncertain significance for Familial cancer of breast. Last evaluated: 2024-01-31. Review status: criteria provided, single submitter. Criteria: ACMG Guidelines, 2015. Collection method: clinical testing. Allele origin: unknown.

Color Diagnostics, LLC DBA Color Health
Classification: Uncertain significance for Hereditary cancer-predisposing syndrome. Last evaluated: 2024-01-16. Review status: criteria provided, single submitter. Criteria: ACMG Guidelines, 2015. Collection method: clinical testing. Allele origin: germline.
Comment: This missense variant replaces alanine with valine at codon 1670 of the ATM protein. Computational prediction suggests that this variant may not impact protein structure and function. To our knowledge, functional studies have not been reported for this variant. This variant has been reported in individuals affected with breast cancer (PMID: 20305132, 33471991), as well as in healthy individuals (PMID: 28652578, 33471991). This variant has been identified in 3/282458 chromosomes in the general population by the Genome Aggregation Database (gnomAD). The available evidence is insufficient to determine the role of this variant in disease conclusively. Therefore, this variant is classified as a Variant of Uncertain Significance.

Women's Health and Genetics/Laboratory Corporation of America, LabCorp
Classification: Uncertain significance. Last evaluated: 2024-01-08. Review status: criteria provided, single submitter. Criteria: LabCorp Variant Classification Summary - May 2015. Collection method: clinical testing. Allele origin: germline.
Comment: Variant summary: ATM c.5009C>T (p.Ala1670Val) results in a non-conservative amino acid change in the encoded protein sequence. Four of five in-silico tools predict a damaging effect of the variant on protein function. The variant allele was found at a frequency of 8e-06 in 251062 control chromosomes. The available data on variant occurrences in the general population are insufficient to allow any conclusion about variant significance. c.5009C>T has been reported in the literature in at least one individual affected with Breast Cancer (e.g. Bernstein_2010, Casadei_2019). These report(s) do not provide unequivocal conclusions about association of the variant with Breast Cancer. To our knowledge, no experimental evidence demonstrating an impact on protein function has been reported. The following publications have been ascertained in the context of this evaluation (PMID: 20305132, 31843900). ClinVar contains an entry for this variant (Variation ID: 127397). Based on the evidence outlined above, the variant was classified as uncertain significance.

Myriad Genetics, Inc.
Classification: Likely benign for Familial cancer of breast. Last evaluated: 2023-03-31. Review status: criteria provided, single submitter. Criteria: Myriad Autosomal Dominant, Autosomal Recessive and X-Linked Classification Criteria (2023). Collection method: clinical testing. Allele origin: unknown.
Comment: This variant is considered likely benign. This variant is strongly associated with less severe personal and family histories of cancer, typical for individuals without pathogenic variants in this gene [PMID: 25085752].

Fulgent Genetics
Classification: Uncertain significance for Familial cancer of breast; Ataxia-telangiectasia syndrome. Last evaluated: 2022-04-22. Review status: criteria provided, single submitter. Criteria: ACMG Guidelines, 2015. Collection method: clinical testing. Allele origin: unknown.

Department of Pathology and Laboratory Medicine, Sinai Health System
Classification: Uncertain significance for Familial cancer of breast. Last evaluated: 2022-03-10. Review status: criteria provided, single submitter. Criteria: ACMG Guidelines, 2015. Collection method: clinical testing. Allele origin: germline. Affected: yes.

Ambry Genetics
Classification: Likely benign for Hereditary cancer-predisposing syndrome. Last evaluated: 2022-01-18. Review status: criteria provided, single submitter. Criteria: Ambry Variant Classification Scheme 2023. Collection method: clinical testing. Allele origin: germline.

Athena Diagnostics
Classification: Uncertain significance. Last evaluated: 2021-06-10. Review status: criteria provided, single submitter. Criteria: Athena Diagnostics Criteria. Collection method: clinical testing. Allele origin: unknown.

Natera, Inc.
Classification: Uncertain significance for Ataxia-telangiectasia. Last evaluated: 2020-07-29. Review status: no assertion criteria provided. Collection method: clinical testing. Allele origin: germline. Not counted in ClinVar's aggregate classification.

King Laboratory, University of Washington
Classification: Benign. Last evaluated: 2019-09-01. Review status: no assertion criteria provided. Collection method: research. Allele origin: germline. Affected: yes. Not counted in ClinVar's aggregate classification.
Comment: Transcript analysis by cBROCA

Literature cited by the submitters: PubMed 20305132 (cited by 4 submitters); PubMed 31843900 (cited by 6 submitters); PubMed 28652578 (cited by 3 submitters); PubMed 33471991 (cited by Color Diagnostics, LLC DBA Color Health); PubMed 25085752 (cited by Myriad Genetics, Inc.).

NM_000051.4(ATM):c.5009C>T (p.Ala1670Val)

Gene: ATM (ATM serine/threonine kinase; plus strand). Cytogenetic location: 11q22.3.
Variant type: single nucleotide variant.
Coding change: c.5009C>T on transcript NM_000051.4 (MANE Select); coding-DNA position 5009, C replaced by T.
Protein change: p.Ala1670Val; replaces alanine 1670 with valine.
Molecular consequence: missense variant.
Genome position (GRCh38, 1-based): chr11:108,299,717, C>T. VCF-style: chr11-108299717-C-T. GRCh37 (hg19) VCF-style: chr11-108170444-C-T.
Other names: p.A1670V:GCT>GTT; c.5009C>T, p.Ala1670Val (NM_001351834.2); short protein forms A1670V.
Identifiers: ClinVar variation 127397 (VCV000127397.64), dbSNP rs375131360, ClinGen allele CA286867.